The following is an entry in ClinVar:

ClinVar aggregate classification (germline): Uncertain significance (1 of 4 stars; one submission).

Conditions:
Ataxia-telangiectasia syndrome (AT). Also called: Ataxia-telangiectasia, complementation group E; Ataxia-telangiectasia; Ataxia telangiectasia (A-T); Cerebello-oculocutaneous telangiectasia; Immunodeficiency with ataxia telangiectasia; LOUIS-BAR SYNDROME. Identifiers: Orphanet 100, MedGen C0004135, MONDO:0008840, OMIM 208900.

Allele frequency attached by ClinVar (database versions not stated): TOPMed below 0.00001; gnomAD 0.00001.
gnomAD v4.1: 1 of 1,609,192 alleles (0.000062%); highest among the groups gnomAD compares: East Asian, 0.0022%; no homozygotes.

Submission:

Labcorp Genetics (formerly Invitae), Labcorp
Classification: Uncertain significance for Ataxia-telangiectasia syndrome. Last evaluated: 2022-07-02. Review status: criteria provided, single submitter. Criteria: Invitae Variant Classification Sherloc (09022015). Collection method: clinical testing. Allele origin: germline.
Comment: In summary, the available evidence is currently insufficient to determine the role of this variant in disease. Therefore, it has been classified as a Variant of Uncertain Significance. This sequence change replaces proline, which is neutral and non-polar, with arginine, which is basic and polar, at codon 604 of the ATM protein (p.Pro604Arg). This variant is not present in population databases (gnomAD no frequency). This variant has not been reported in the literature in individuals affected with ATM-related conditions. Advanced modeling of protein sequence and biophysical properties (such as structural, functional, and spatial information, amino acid conservation, physicochemical variation, residue mobility, and thermodynamic stability) performed at Invitae indicates that this missense variant is not expected to disrupt ATM protein function.

NM_000051.4(ATM):c.1811C>G (p.Pro604Arg)

Gene: ATM (ATM serine/threonine kinase; plus strand). Cytogenetic location: 11q22.3.
Variant type: single nucleotide variant.
Coding change: c.1811C>G on transcript NM_000051.4 (MANE Select); coding-DNA position 1811, C replaced by G.
Protein change: p.Pro604Arg; replaces proline 604 with arginine.
Molecular consequence: missense variant.
Genome position (GRCh38, 1-based): chr11:108,252,825, C>G. VCF-style: chr11-108252825-C-G. GRCh37 (hg19) VCF-style: chr11-108123552-C-G.
Other names: c.1811C>G, p.Pro604Arg (NM_001351834.2); short protein forms P604R.
Identifiers: ClinVar variation 2061819 (VCV002061819.3), dbSNP rs1565387411, ClinGen allele CA382535716.